The following is an entry in ClinVar:

ClinVar aggregate classification (germline): Uncertain significance. Review status: criteria provided, multiple submitters, no conflicts (2 of 4 stars). 2 submissions from 2 submitters: Uncertain significance (2). Last evaluated 2024-10-30.

Conditions:
Inborn genetic diseases. Identifiers: MedGen C0950123, MeSH D030342.
Megalencephaly-polymicrogyria-postaxial polydactyly-hydrocephalus syndrome. Also called: MPPH Syndrome; MEG-PMG-MEGACC SYNDROME. Identifiers: Orphanet 83473, MedGen C1863924, MONDO:0019375.

gnomAD v4.1: 7 of 1,567,588 alleles (0.00045%); highest among the groups gnomAD compares: Non-Finnish European, 0.00052%; no homozygotes.

Submissions (2):

Labcorp Genetics (formerly Invitae), Labcorp
Classification: Uncertain significance for Megalencephaly-polymicrogyria-postaxial polydactyly-hydrocephalus syndrome. Last evaluated: 2024-10-30. Review status: criteria provided, single submitter. Criteria: Invitae Variant Classification Sherloc (09022015). Collection method: clinical testing. Allele origin: germline.
Comment: This sequence change replaces arginine, which is basic and polar, with glycine, which is neutral and non-polar, at codon 16 of the PIK3R2 protein (p.Arg16Gly). The frequency data for this variant in the population databases is considered unreliable, as metrics indicate poor data quality at this position in the gnomAD database. This variant has not been reported in the literature in individuals affected with PIK3R2-related conditions. ClinVar contains an entry for this variant (Variation ID: 3014077). Invitae Evidence Modeling of protein sequence and biophysical properties (such as structural, functional, and spatial information, amino acid conservation, physicochemical variation, residue mobility, and thermodynamic stability) indicates that this missense variant is not expected to disrupt PIK3R2 protein function with a negative predictive value of 95%. In summary, the available evidence is currently insufficient to determine the role of this variant in disease. Therefore, it has been classified as a Variant of Uncertain Significance.

Ambry Genetics
Classification: Uncertain significance for Inborn genetic diseases. Last evaluated: 2024-08-20. Review status: criteria provided, single submitter. Criteria: Ambry Variant Classification Scheme 2023. Collection method: clinical testing. Allele origin: germline.

NM_005027.4(PIK3R2):c.46C>G (p.Arg16Gly)

Gene: PIK3R2 (phosphoinositide-3-kinase regulatory subunit 2; plus strand). Cytogenetic location: 19p13.11.
Variant type: single nucleotide variant.
Coding change: c.46C>G on transcript NM_005027.4 (MANE Select); coding-DNA position 46, C replaced by G.
Protein change: p.Arg16Gly; replaces arginine 16 with glycine.
Molecular consequence: missense variant. On other transcripts: non-coding transcript variant (2).
Genome position (GRCh38, 1-based): chr19:18,155,925, C>G. VCF-style: chr19-18155925-C-G. GRCh37 (hg19) VCF-style: chr19-18266735-C-G.
Other names: c.46C>G (NM_005027.2); short protein forms R16G.
Identifiers: ClinVar variation 3014077 (VCV003014077.4), dbSNP rs80233027, ClinGen allele CA306163886.